The following is an entry in ClinVar:

NM_004855.5(PIGB):c.1014C>G (p.Tyr338Ter)

Gene: PIGB (phosphatidylinositol glycan anchor biosynthesis class B; plus strand). Cytogenetic location: 15q21.3.
Variant type: single nucleotide variant.
Coding change: c.1014C>G on transcript NM_004855.5 (MANE Select); coding-DNA position 1014, C replaced by G.
Protein change: p.Tyr338Ter; replaces tyrosine 338 with a stop codon.
Molecular consequence: nonsense.
Genome position (GRCh38, 1-based): chr15:55,340,779, C>G. VCF-style: chr15-55340779-C-G. GRCh37 (hg19) VCF-style: chr15-55632977-C-G.
Other names: short protein forms Y338*.
Identifiers: ClinVar variation 2088596 (VCV002088596.4), dbSNP rs2055651687, ClinGen allele CA392543130.

ClinVar aggregate classification (germline): Pathogenic (1 of 4 stars; one submission).

Allele frequency attached by ClinVar (database versions not stated): TOPMed below 0.00001.

Submission:

Labcorp Genetics (formerly Invitae), Labcorp
Classification: Pathogenic. Last evaluated: 2022-09-19. Review status: criteria provided, single submitter. Criteria: Invitae Variant Classification Sherloc (09022015). Collection method: clinical testing. Allele origin: germline.
Comment: For these reasons, this variant has been classified as Pathogenic. This variant has not been reported in the literature in individuals affected with PIGB-related conditions. This variant is not present in population databases (gnomAD no frequency). This sequence change creates a premature translational stop signal (p.Tyr338*) in the PIGB gene. It is expected to result in an absent or disrupted protein product. Loss-of-function variants in PIGB are known to be pathogenic (PMID: 31256876, 34400385).

Literature cited by the submitters: PubMed 31256876; PubMed 34400385.